The following is an entry in ClinVar:

ClinVar aggregate classification (germline): Uncertain significance. Review status: reviewed by expert panel (3 of 4 stars). 2 submissions from 2 submitters: Uncertain significance (1). 1 of the submissions does not count toward it. Last evaluated 2024-10-29.

Conditions:
Hereditary thrombocytopenia and hematologic cancer predisposition syndrome. Identifiers: Orphanet 71290, MedGen CN281654, MONDO:0011071.

Submissions (2):

ClinGen Myeloid Malignancy Variant Curation Expert Panel
Classification: Uncertain significance for Hereditary thrombocytopenia and hematologic cancer predisposition syndrome. Last evaluated: 2024-10-29. Review status: reviewed by expert panel. Criteria: ClinGen MyeloMalig ACMG Specifications v2. Collection method: curation. Allele origin: germline. Inheritance: Autosomal dominant inheritance.
Comment: NM_001754.5(RUNX1):c.101C>G (p.Ala34Gly) is a missense variant. This variant is completely absent from all population databases with at least 20x coverage for RUNX1 (PM2_Supporting). This variant has not been reported in any proband meeting at least one of the RUNX1-phenotypic criteria. This missense variant has a REVEL score <0.5 (0.407)(BP4). In summary, this variant meets the criteria to be classified as a variant of uncertain significance. ACMG/AMP criteria applied, as specified by the Myeloid Malignancy Variant Curation Expert Panel for RUNX1: BP4, PM2_supporting

GeneDx
Classification: Uncertain significance. Last evaluated: 2023-04-24. Review status: criteria provided, single submitter. Criteria: GeneDx Variant Classification Process June 2021. Collection method: clinical testing. Allele origin: germline. Affected: yes. Not counted in ClinVar's aggregate classification.
Comment: Not observed at significant frequency in large population cohorts (gnomAD); In silico analysis supports that this missense variant does not alter protein structure/function; Has not been previously published as pathogenic or benign to our knowledge

NM_001754.5(RUNX1):c.101C>G (p.Ala34Gly)

Gene: RUNX1 (RUNX family transcription factor 1; minus strand). Cytogenetic location: 21q22.12.
Variant type: single nucleotide variant.
Coding change: c.101C>G on transcript NM_001754.5 (MANE Select); coding-DNA position 101, C replaced by G.
Protein change: p.Ala34Gly; replaces alanine 34 with glycine.
Molecular consequence: missense variant.
Genome position (GRCh38, 1-based): chr21:34,887,093, G>C on the plus strand (C>G on the coding strand, the complement: RUNX1 is on the minus strand). VCF-style: chr21-34887093-G-C. GRCh37 (hg19) VCF-style: chr21-36259390-G-C.
Other names: NM_001754.5(RUNX1):c.101C>G; p.Ala34Gly; c.20C>G, p.Ala7Gly (NM_001001890.3, NM_001122607.2); short protein forms A34G, A7G.
Identifiers: ClinVar variation 2663436 (VCV002663436.2), dbSNP rs2058006183, ClinGen allele CA410204316.